The following is an entry in ClinVar:

NM_001041.4(SI):c.3772A>G (p.Thr1258Ala)

Gene: SI (sucrase-isomaltase; minus strand). Cytogenetic location: 3q26.1.
Variant type: single nucleotide variant.
Coding change: c.3772A>G on transcript NM_001041.4 (MANE Select); coding-DNA position 3772, A replaced by G.
Protein change: p.Thr1258Ala; replaces threonine 1258 with alanine.
Molecular consequence: missense variant.
Genome position (GRCh38, 1-based): chr3:165,016,068, T>C on the plus strand (A>G on the coding strand, the complement: SI is on the minus strand). VCF-style: chr3-165016068-T-C. GRCh37 (hg19) VCF-style: chr3-164733856-T-C.
Other names: c.3772A>G (NM_001041.3); short protein forms T1258A.
Identifiers: ClinVar variation 1144761 (VCV001144761.12), dbSNP rs144579834, ClinGen allele CA2690136.

ClinVar aggregate classification (germline): Conflicting classifications of pathogenicity. Review status: criteria provided, conflicting classifications (1 of 4 stars). 3 submissions from 3 submitters: Uncertain significance (1); Likely benign (1). 1 of the submissions does not count toward it. Last evaluated 2026-01-12.

Conditions:
Inborn genetic diseases. Identifiers: MedGen C0950123, MeSH D030342.
SI-related disorder. Also called: SI-related condition.

Allele frequency attached by ClinVar (database versions not stated): gnomAD exomes 0.00005 and 0.00014; ExAC 0.00017; gnomAD 0.00050 and 0.00054; 1000 Genomes Project 0.00060; TOPMed 0.00077; 1000 Genomes Project 30x 0.00078; ESP Exome Variant Server 0.00100.
gnomAD v4.1: 151 of 1,612,950 alleles (0.0094%); highest among the groups gnomAD compares: African/African-American, 0.15%; no homozygotes.

Submissions (3):

Labcorp Genetics (formerly Invitae), Labcorp
Classification: Likely benign. Last evaluated: 2026-01-12. Review status: criteria provided, single submitter. Criteria: Invitae Variant Classification Sherloc (09022015). Collection method: clinical testing. Allele origin: germline.

Ambry Genetics
Classification: Uncertain significance for Inborn genetic diseases. Last evaluated: 2023-12-19. Review status: criteria provided, single submitter. Criteria: Ambry Variant Classification Scheme 2023. Collection method: clinical testing. Allele origin: germline.

PreventionGenetics, part of Exact Sciences
Classification: Uncertain significance for SI-related condition. Last evaluated: 2023-12-11. Review status: no assertion criteria provided. Collection method: clinical testing. Allele origin: germline. Not counted in ClinVar's aggregate classification.
Comment: The SI c.3772A>G variant is predicted to result in the amino acid substitution p.Thr1258Ala. To our knowledge, this variant has not been reported in the literature. This variant is reported in 0.18% of alleles in individuals of African descent in gnomAD, which may be too high to be causative of disease. Although we suspect that this variant may be benign, at this time, the clinical significance of this variant is uncertain due to the absence of conclusive functional and genetic evidence.